The following is an entry in ClinVar:

ClinVar aggregate classification (germline): Uncertain significance (1 of 4 stars; one submission).

Allele frequency attached by ClinVar (database versions not stated): gnomAD exomes below 0.00001; TOPMed below 0.00001; gnomAD 0.00001.
gnomAD v4.1: 5 of 1,607,814 alleles (0.00031%); highest among the groups gnomAD compares: South Asian, 0.0033%; no homozygotes.

Submission:

Labcorp Genetics (formerly Invitae), Labcorp
Classification: Uncertain significance. Last evaluated: 2022-09-01. Review status: criteria provided, single submitter. Criteria: Invitae Variant Classification Sherloc (09022015). Collection method: clinical testing. Allele origin: germline.
Comment: Algorithms developed to predict the effect of sequence changes on RNA splicing suggest that this variant may disrupt the consensus splice site. This variant has not been reported in the literature in individuals affected with DOCK6-related conditions. The frequency data for this variant in the population databases is considered unreliable, as metrics indicate poor data quality at this position in the gnomAD database. This sequence change falls in intron 46 of the DOCK6 gene. It does not directly change the encoded amino acid sequence of the DOCK6 protein. In summary, the available evidence is currently insufficient to determine the role of this variant in disease. Therefore, it has been classified as a Variant of Uncertain Significance.

NM_020812.4(DOCK6):c.5940-9G>A

Gene: DOCK6 (dedicator of cytokinesis 6; minus strand). Cytogenetic location: 19p13.2.
Variant type: single nucleotide variant.
Coding change: c.5940-9G>A on transcript NM_020812.4 (MANE Select); 9 bases into the intron before coding-DNA position 5940, G replaced by A.
Molecular consequence: intron variant.
Genome position (GRCh38, 1-based): chr19:11,200,478, C>T on the plus strand (G>A on the coding strand, the complement: DOCK6 is on the minus strand). VCF-style: chr19-11200478-C-T. GRCh37 (hg19) VCF-style: chr19-11311154-C-T.
Other names: c.6045-9G>A (NM_001367830.1).
Identifiers: ClinVar variation 1927704 (VCV001927704.5), dbSNP rs1357538961, ClinGen allele CA632115771.